The following is an entry in ClinVar:

NM_001081.4(CUBN):c.7210+5G>A

Gene: CUBN (cubilin; minus strand). Cytogenetic location: 10p13.
Variant type: single nucleotide variant.
Coding change: c.7210+5G>A on transcript NM_001081.4 (MANE Select); 5 bases into the intron after coding-DNA position 7210, G replaced by A.
Molecular consequence: intron variant.
Genome position (GRCh38, 1-based): chr10:16,915,816, C>T on the plus strand (G>A on the coding strand, the complement: CUBN is on the minus strand). VCF-style: chr10-16915816-C-T. GRCh37 (hg19) VCF-style: chr10-16957815-C-T.
Identifiers: ClinVar variation 4804160 (VCV004804160.1).
Genomic context (GRCh38, chr10:16,915,816, plus strand): 5'-TTCAGAGGCTGAATAAGTACATGTGAAAATAAACACCCAAAAGAGAGCAGATATATTTTA[C>T]TAACCAGAGGTATGATTGTCCCAGATCTCCACGAAGTCTTTTTCACAGCCAGAAGAATTC-3'

ClinVar aggregate classification (germline): Uncertain significance (1 of 4 stars; one submission).

Conditions:
Imerslund-Grasbeck syndrome. Also called: Imerslund-Gräsbeck syndrome; ENTEROCYTE COBALAMIN MALABSORPTION; ENTEROCYTE INTRINSIC FACTOR RECEPTOR, DEFECT OF; PERNICIOUS ANEMIA, JUVENILE, DUE TO SELECTIVE INTESTINAL MALABSORPTION OF VITAMIN B12, WITH PROTEINURIA; Megaloblastic anemia due to inborn errors of metabolism. Identifiers: Orphanet 35858, MedGen C4551825, MONDO:0009853.

Submission:

Labcorp Genetics (formerly Invitae), Labcorp
Classification: Uncertain significance for Imerslund-Grasbeck syndrome. Last evaluated: 2025-10-02. Review status: criteria provided, single submitter. Criteria: Invitae Variant Classification Sherloc (09022015). Collection method: clinical testing. Allele origin: germline.
Comment: This sequence change falls in intron 46 of the CUBN gene. It does not directly change the encoded amino acid sequence of the CUBN protein. It affects a nucleotide within the consensus splice site. This variant is not present in population databases (gnomAD no frequency). This variant has not been reported in the literature in individuals affected with CUBN-related conditions. Variants that disrupt the consensus splice site are a relatively common cause of aberrant splicing (PMID: 17576681, 9536098). Algorithms developed to predict the effect of sequence changes on RNA splicing suggest that this variant may disrupt the consensus splice site. In summary, the available evidence is currently insufficient to determine the role of this variant in disease. Therefore, it has been classified as a Variant of Uncertain Significance.

Literature cited by the submitters: PubMed 17576681; PubMed 9536098.